The following is an entry in ClinVar:

NM_001367479.1(DNAH14):c.12651C>T (p.Gly4217=)

Gene: DNAH14 (dynein axonemal heavy chain 14; plus strand). Cytogenetic location: 1q42.12.
Variant type: single nucleotide variant.
Coding change: c.12651C>T on transcript NM_001367479.1 (MANE Select); coding-DNA position 12651, C replaced by T.
Protein change: p.Gly4217=; no amino-acid change (glycine 4217 retained).
Molecular consequence: synonymous variant.
Genome position (GRCh38, 1-based): chr1:225,377,371, C>T. VCF-style: chr1-225377371-C-T. GRCh37 (hg19) VCF-style: chr1-225565073-C-T.
Identifiers: ClinVar variation 402665 (VCV000402665.6), dbSNP rs3856155, ClinGen allele CA1416862.
Genomic context (GRCh38, chr1:225,377,371, plus strand): 5'-CCTTCCCGAGGTCTTAGGAATACACCCAGAGGCCATCAGGAGCTGCTGGGAGACCCAGGG[C>T]GAAAAGTTTATTGAAAATCTGATTGCCATGCAACCAAAAACTACCACTGCCAACCTCATG-3'
Protein context (NP_001354408.1, residues 4207-4227): EAIRSCWETQ[Gly4217=]EKFIENLIAM

ClinVar aggregate classification (germline): Benign. Review status: criteria provided, multiple submitters, no conflicts (2 of 4 stars). 2 submissions from 2 submitters: Benign (2). Last evaluated 2016-03-28.

Allele frequency attached by ClinVar (database versions not stated): 1000 Genomes Project 30x 0.48579; ESP Exome Variant Server 0.49014; 1000 Genomes Project 0.49181; ExAC 0.50025; gnomAD 0.50623; TOPMed 0.50976; gnomAD exomes 0.58438.
gnomAD v4.1: 896,175 of 1,549,410 alleles (58%); highest among the groups gnomAD compares: East Asian, 75%; 267,068 homozygotes.

Submissions (4):

Laboratory for Molecular Medicine, Mass General Brigham Personalized Medicine
Classification: Benign. Last evaluated: 2016-03-28. Review status: criteria provided, single submitter. Criteria: LMM Criteria. Collection method: clinical testing. Allele origin: germline.
Comment: Variant identified in a genome or exome case(s) and assessed due to predicted null impact of the variant or pathogenic assertions in the literature or databases. Disclaimer: This variant has not undergone full assessment. The following are preliminary notes: Frequency

Breakthrough Genomics
Classification: Benign. Review status: criteria provided, single submitter. Criteria: ACMG Guidelines, 2015. Collection method: not provided. Allele origin: germline. Inheritance: Unknown mechanism. Affected: yes.

Dr. Peter K. Rogan Lab, Western University
No classification provided (evidence only). Condition: Gastric cancer. Review status: no classification provided. Collection method: in vitro. Allele origin: not applicable. Functional consequence: retained intron. Not counted in ClinVar's aggregate classification.

Dr. Peter K. Rogan Lab, Western University
No classification provided (evidence only). Condition: Uterine carcinosarcoma. Review status: no classification provided. Collection method: in vitro. Allele origin: not applicable. Functional consequence: retained intron. Not counted in ClinVar's aggregate classification.